The following is an entry in ClinVar:

ClinVar aggregate classification (germline): Uncertain significance. Review status: reviewed by expert panel (3 of 4 stars). 2 submissions from 2 submitters: Uncertain significance (1). 1 of the submissions does not count toward it. Last evaluated 2024-04-29.

Conditions:
Recombinase activating gene 2 deficiency. Also called: RAG2 deficiency. Identifiers: MedGen CN257931, MONDO:0000573.
Combined immunodeficiency with skin granulomas. Identifiers: Orphanet 157949, MedGen C2673536, MONDO:0009306, OMIM 233650.
Severe combined immunodeficiency, autosomal recessive, T cell-negative, B cell-negative, NK cell-positive. Also called: SCID, AR, T-cell negative, B-cell negative, NK cell-positive; SCID, T CELL-NEGATIVE, B CELL-NEGATIVE, NK CELL-POSITIVE; Severe combined immunodeficiency due to complete RAG1/2 deficiency. Identifiers: Orphanet 331206, MedGen C1832322, MONDO:0011086, OMIM 601457.

Allele frequency attached by ClinVar (database versions not stated): TOPMed 0.00001.

Submissions (2):

ClinGen Severe Combined Immunodeficiency Variant Curation Expert Panel, ClinGen
Classification: Uncertain significance for Recombinase activating gene 2 deficiency. Last evaluated: 2024-04-29. Review status: reviewed by expert panel. Criteria: ClinGen SCID ACMG Specifications RAG2 V1.0.0. Collection method: curation. Allele origin: germline. Inheritance: Autosomal recessive inheritance.
Comment: NM_000536.4(RAG2):c.13A>T is a missense variant predicted to cause substitution of Methionine by Leucine at amino acid 5 (p.Met5Leu).This missense variant is located in the core domain (amino acids 1-383) (PM1_supporting). The variant is absent in gnomAD v4 (PM2_supporting). To our knowledge, this variant has not been reported in the literature in individuals affected with RAG2 related conditions or in functional studies. In summary, this variant meets the criteria to be classified as a variant of uncertain significance for autosomal recessive severe combined immunodeficiency due to RAG2 deficiency based on the ACMG/AMP criteria applied, as specified by the ClinGen SCID VCEP: PM1_supporting, PM2_supporting (VCEP specifications version 1).

Labcorp Genetics (formerly Invitae), Labcorp
Classification: Uncertain significance for Combined immunodeficiency with skin granulomas; Severe combined immunodeficiency, autosomal recessive, T cell-negative, B cell-negative, NK cell-positive. Last evaluated: 2022-08-09. Review status: criteria provided, single submitter. Criteria: Invitae Variant Classification Sherloc (09022015). Collection method: clinical testing. Allele origin: germline. Not counted in ClinVar's aggregate classification.
Comment: In summary, the available evidence is currently insufficient to determine the role of this variant in disease. Therefore, it has been classified as a Variant of Uncertain Significance. Advanced modeling of protein sequence and biophysical properties (such as structural, functional, and spatial information, amino acid conservation, physicochemical variation, residue mobility, and thermodynamic stability) performed at Invitae indicates that this missense variant is not expected to disrupt RAG2 protein function. ClinVar contains an entry for this variant (Variation ID: 1512780). This variant has not been reported in the literature in individuals affected with RAG2-related conditions. This variant is not present in population databases (gnomAD no frequency). This sequence change replaces methionine, which is neutral and non-polar, with leucine, which is neutral and non-polar, at codon 5 of the RAG2 protein (p.Met5Leu).

NM_000536.4(RAG2):c.13A>T (p.Met5Leu)

Gene: RAG2 (recombination activating 2; minus strand). Cytogenetic location: 11p12.
Variant type: single nucleotide variant.
Coding change: c.13A>T on transcript NM_000536.4 (MANE Select); coding-DNA position 13, A replaced by T.
Protein change: p.Met5Leu; replaces methionine 5 with leucine.
Molecular consequence: missense variant.
Genome position (GRCh38, 1-based): chr11:36,594,156, T>A on the plus strand (A>T on the coding strand, the complement: RAG2 is on the minus strand). VCF-style: chr11-36594156-T-A. GRCh37 (hg19) VCF-style: chr11-36615706-T-A.
Other names: NM_000536.4(RAG2):c.13A>T; p.Met5Leu; c.13A>T, p.Met5Leu (NM_001243786.2, NM_001243785.2); short protein forms M5L.
Identifiers: ClinVar variation 1512780 (VCV001512780.8), dbSNP rs1851109238, ClinGen allele CA380145283.
Genomic context (GRCh38, chr11:36,594,156, plus strand): 5'-CAAAATTCATCAGTGAGAAGCCTGGCTGAATTAAGGCTATGTTATTACTGACTGTTACCA[T>A]CTGCAGAGACATAGTTTCTGATGGTACGTAGATTTTTGTCTGAAAGAATTATAAAATAAA-3'
Protein context (NP_000527.2, residues 1-15): MSLQ[Met5Leu]VTVSNNIALI